The following is an entry in ClinVar:

NM_000257.4(MYH7):c.2129C>T (p.Pro710Leu)

Gene: MYH7 (myosin heavy chain 7; minus strand). Cytogenetic location: 14q11.2.
Variant type: single nucleotide variant.
Coding change: c.2129C>T on transcript NM_000257.4 (MANE Select); coding-DNA position 2129, C replaced by T.
Protein change: p.Pro710Leu; replaces proline 710 with leucine.
Molecular consequence: missense variant.
Genome position (GRCh38, 1-based): chr14:23,425,997, G>A on the plus strand (C>T on the coding strand, the complement: MYH7 is on the minus strand). VCF-style: chr14-23425997-G-A. GRCh37 (hg19) VCF-style: chr14-23895206-G-A.
Other names: c.2129C>T (NM_000257.3); short protein forms P710L.
Identifiers: ClinVar variation 177673 (VCV000177673.7), dbSNP rs727504272, ClinGen allele CA011756.
Genomic context (GRCh38, chr14:23,425,997, plus strand): 5'-TGAGCTCTGGTGCACCCTCATACCCACCTCTGCCGGAAGTCCCCGTAGAGGATGCGGTTG[G>A]GGAAGCCTTTCCTGCAGATGCGGATGCCCTCCAGCACACCATTGCAGCGCAGCTGGTGCA-3'
Protein context (NP_000248.2, residues 700-720): EGIRICRKGF[Pro710Leu]NRILYGDFRQ

ClinVar aggregate classification (germline): Likely pathogenic. Review status: criteria provided, single submitter (1 of 4 stars). 3 submissions from 3 submitters: Likely pathogenic (1). 2 of the submissions do not count toward it. Last evaluated 2023-10-13.

Conditions:
MYH7-related disorder. Also called: MYH7-related condition; MYH7-related disease; MYH7-related disorders.

Submissions (3):

Blueprint Genetics
Classification: Likely pathogenic for MYH7-related disorders. Last evaluated: 2023-10-13. Review status: criteria provided, single submitter. Criteria: ACMG Guidelines, 2015. Collection method: clinical testing. Allele origin: germline. Affected: yes. Observed: 1 variant allele.

PreventionGenetics, part of Exact Sciences
Classification: Likely pathogenic for MYH7-related condition. Last evaluated: 2024-01-16. Review status: no assertion criteria provided. Collection method: clinical testing. Allele origin: germline. Not counted in ClinVar's aggregate classification.
Comment: The MYH7 c.2129C>T variant is predicted to result in the amino acid substitution p.Pro710Leu. This variant was reported in individuals with hypertrophic cardiomyopathy (Table S7, Alfares et al. 2015. PubMed ID: 25611685; Table S1B, Walsh et al. 2016. PubMed ID: 27532257; Table S1, Chumakova et al. 2023. PubMed ID: 38002985). This variant has not been reported in a large population database, indicating this variant is rare. Different nucleotide substitutions affecting the same amino acid (p.Pro710His, p.Pro710Arg) have been reported in individuals with hypertrophic cardiomyopathy (Kaski et al. 2009. PubMed ID: 20031618; Kindel et al. 2012. PubMed ID: 22555271). Taken together, the c.2129C>T (p.Pro710Leu) variant is interpreted as likely pathogenic.

Laboratory for Molecular Medicine, Mass General Brigham Personalized Medicine
Classification: Uncertain significance. Last evaluated: 2014-01-09. Review status: no assertion criteria provided. Collection method: clinical testing. Allele origin: germline. Observed: 3 variant alleles. Not counted in ClinVar's aggregate classification.
Comment: proposed classification - variant undergoing re-assessment, contact laboratory